The following is an entry in ClinVar:

NM_173630.4(RTTN):c.3238G>A (p.Val1080Ile)

Gene: RTTN (rotatin; minus strand). Cytogenetic location: 18q22.2.
Variant type: single nucleotide variant.
Coding change: c.3238G>A on transcript NM_173630.4 (MANE Select); coding-DNA position 3238, G replaced by A.
Protein change: p.Val1080Ile; replaces valine 1080 with isoleucine.
Molecular consequence: missense variant.
Genome position (GRCh38, 1-based): chr18:70,127,647, C>T on the plus strand (G>A on the coding strand, the complement: RTTN is on the minus strand). VCF-style: chr18-70127647-C-T. GRCh37 (hg19) VCF-style: chr18-67794883-C-T.
Other names: c.502G>A, p.Val168Ile (NM_001318520.2); c.3238G>A (NM_173630.3); short protein forms V168I, V1080I.
Identifiers: ClinVar variation 1363950 (VCV001363950.7), dbSNP rs201548591, ClinGen allele CA8995631.

ClinVar aggregate classification (germline): Uncertain significance. Review status: criteria provided, multiple submitters, no conflicts (2 of 4 stars). 3 submissions from 3 submitters: Uncertain significance (3). Last evaluated 2026-01-24.

Conditions:
Inborn genetic diseases. Identifiers: MedGen C0950123, MeSH D030342.
RTTN-related disorder. Also called: RTTN-related condition.

Allele frequency attached by ClinVar (database versions not stated): ExAC 0.00007; ESP Exome Variant Server 0.00008; gnomAD exomes 0.00008 and 0.00013; TOPMed 0.00013; gnomAD 0.00014 and 0.00016.
gnomAD v4.1: 218 of 1,613,358 alleles (0.014%); highest among the groups gnomAD compares: African/African-American, 0.043%; no homozygotes.

Submissions (3):

PreventionGenetics, part of Exact Sciences
Classification: Uncertain significance for RTTN-related condition. Last evaluated: 2026-01-24. Review status: criteria provided, single submitter. Criteria: ACMG Guidelines, 2015. Collection method: clinical testing. Allele origin: germline.
Comment: The RTTN c.3238G>A variant is predicted to result in the amino acid substitution p.Val1080Ile. To our knowledge, this variant has not been reported in the literature. This variant is reported in 0.033% of alleles in individuals of African descent in gnomAD. At this time, the clinical significance of this variant is uncertain due to the absence of conclusive functional and genetic evidence.

Ambry Genetics
Classification: Uncertain significance for Inborn genetic diseases. Last evaluated: 2025-03-30. Review status: criteria provided, single submitter. Criteria: Ambry Variant Classification Scheme 2023. Collection method: clinical testing. Allele origin: germline.

Labcorp Genetics (formerly Invitae), Labcorp
Classification: Uncertain significance. Last evaluated: 2022-10-18. Review status: criteria provided, single submitter. Criteria: Invitae Variant Classification Sherloc (09022015). Collection method: clinical testing. Allele origin: germline.
Comment: In summary, the available evidence is currently insufficient to determine the role of this variant in disease. Therefore, it has been classified as a Variant of Uncertain Significance. Advanced modeling of protein sequence and biophysical properties (such as structural, functional, and spatial information, amino acid conservation, physicochemical variation, residue mobility, and thermodynamic stability) performed at Invitae indicates that this missense variant is not expected to disrupt RTTN protein function. ClinVar contains an entry for this variant (Variation ID: 1363950). This variant has not been reported in the literature in individuals affected with RTTN-related conditions. This variant is present in population databases (rs201548591, gnomAD 0.03%). This sequence change replaces valine, which is neutral and non-polar, with isoleucine, which is neutral and non-polar, at codon 1080 of the RTTN protein (p.Val1080Ile).